The following is an entry in ClinVar:

Single allele

Gene: NXT2 (nuclear transport factor 2 like export factor 2; plus strand). Cytogenetic location: Xq23.
Variant type: Deletion.
Identifiers: ClinVar variation 3602633 (VCV003602633.2).

ClinVar aggregate classification (germline): Pathogenic (1 of 4 stars; one submission).

Conditions:
Male infertility. Identifiers: MedGen C0021364, MeSH D007248, MONDO:0005372, HP:0003251.

Submission:

Institute of Reproductive Genetics, University of Münster
Classification: Pathogenic for Male infertility. Last evaluated: 2025-01-22. Review status: criteria provided, single submitter. Criteria: Uk Practice Guidelines For Variant Classification V4 01 2020. Collection method: research. Allele origin: germline. Inheritance: X-linked inheritance. Affected: yes. Observed: 1 variant allele, 1 hemizygote.
Comment: chrX:108,765,361-108,807,493del (hg19) is a chromosomal deletion that exclusively encompasses the entire NXT2 gene and results in the absence of the encoded protein, as determined by immunohistochemical staining (PVS1). In summary, this variant fulfils the criteria to be classified as pathogenic for male infertility based on the applied ACMG/AMP criteria: PVS1, PS2_M. Translated with (free version)